The following is an entry in ClinVar:

NM_001039213.4(CEACAM16):c.986C>T (p.Thr329Met)

Genes: CEACAM16 (CEA cell adhesion molecule 16, tectorial membrane component; plus strand), CEACAM16-AS1 (CEACAM16, CEACAM19 and PVR antisense RNA 1; minus strand). Cytogenetic location: 19q13.32.
Variant type: single nucleotide variant.
Coding change: c.986C>T on transcript NM_001039213.4 (MANE Select); coding-DNA position 986, C replaced by T.
Protein change: p.Thr329Met; replaces threonine 329 with methionine.
Molecular consequence: missense variant.
Genome position (GRCh38, 1-based): chr19:44,707,906, C>T. VCF-style: chr19-44707906-C-T. GRCh37 (hg19) VCF-style: chr19-45211178-C-T.
Other names: short protein forms T329M.
Identifiers: ClinVar variation 3389062 (VCV003389062.14).

ClinVar aggregate classification (germline): Likely benign (1 of 4 stars; one submission).

gnomAD v4.1: 52 of 1,566,498 alleles (0.0033%); highest among the groups gnomAD compares: Middle Eastern, 0.017%; no homozygotes.

Submission:

CeGaT Center for Human Genetics Tuebingen
Classification: Likely benign. Last evaluated: 2024-10-01. Review status: criteria provided, single submitter. Criteria: CeGaT Center For Human Genetics Tuebingen Variant Classification Criteria Version 2. Collection method: clinical testing. Allele origin: germline. Affected: yes. Observed: 1 variant allele.
Comment: CEACAM16: BP4